The following is an entry in ClinVar:

NM_001791.4(CDC42):c.487-1426_487-1425del

Genes: CDC42 (cell division cycle 42; plus strand), LOC122056785 (Sharpr-MPRA regulatory region 8542; plus strand). Cytogenetic location: 1p36.12.
Variant type: Deletion.
Coding change: c.487-1426_487-1425del on transcript NM_001791.4 (MANE Select); 1426 bases into the intron before coding-DNA position 487 through 1425 bases into the intron before coding-DNA position 487, 2 bases deleted (TC; older notation c.487-1426_487-1425delTC).
Molecular consequence: intron variant. On other transcripts: frameshift variant (1).
Genome position (GRCh38, 1-based): chr1:22,090,002-22,090,003, TC deleted; deleting any 2 consecutive bases within chr1:22,090,001-22,090,003 gives the same sequence; the c. name uses the placement nearest the transcript's 3' end. VCF-style (leftmost placement, unchanged base first): chr1-22090000-ACT-A. GRCh37 (hg19) VCF-style: chr1-22416493-ACT-A.
Other names: c.546_547del, p.Gln183fs (NM_044472.3); c.487-1426_487-1425del (NM_001039802.2); short protein forms Q183fs.
Identifiers: ClinVar variation 3342997 (VCV003342997.1).
Genomic context (GRCh38, chr1:22,090,000, plus strand): 5'-TAGAGAGGTCTGAAGAATGTGTTTGATGAGGCTATCCTAGCTGCCCTCGAGCCTCCGGAA[ACT>A]CAACCCAAAAGGAAGTGCTGTATATTCTAAACTGTTTTCTCCTTCCCTTCTTTGCTGCTG-3'

ClinVar aggregate classification (germline): Uncertain significance (1 of 4 stars; one submission).

Submission:

GeneDx
Classification: Uncertain significance. Last evaluated: 2023-04-12. Review status: criteria provided, single submitter. Criteria: GeneDx Variant Classification Process June 2021. Collection method: clinical testing. Allele origin: germline. Affected: yes.
Comment: Frameshift variant predicted to result in protein elongation, as the last 9 amino acids are replaced with 50 different amino acids; Not observed at significant frequency in large population cohorts (gnomAD); Has not been previously published as pathogenic or benign to our knowledge